The following is an entry in ClinVar:

NM_004360.5(CDH1):c.1719A>G (p.Pro573=)

Gene: CDH1 (cadherin 1; plus strand). Cytogenetic location: 16q22.1.
Variant type: single nucleotide variant.
Coding change: c.1719A>G on transcript NM_004360.5 (MANE Select); coding-DNA position 1719, A replaced by G.
Protein change: p.Pro573=; no amino-acid change (proline 573 retained).
Molecular consequence: synonymous variant. On other transcripts: 5 prime UTR variant (1).
Genome position (GRCh38, 1-based): chr16:68,822,008, A>G. VCF-style: chr16-68822008-A-G. GRCh37 (hg19) VCF-style: chr16-68855911-A-G.
Other names: c.1536A>G, p.Pro512= (NM_001317184.2); c.171A>G, p.Pro57= (NM_001317185.2); c.-247A>G (NM_001317186.2).
Identifiers: ClinVar variation 797259 (VCV000797259.15), dbSNP rs1596963337, ClinGen allele CA496392341.
Genomic context (GRCh38, chr16:68,822,008, plus strand): 5'-GGGGATTCATTACTGTTGCCAAGCTGCCACATTTTCTGTGTATTTTCTCTTAGGTTCTCC[A>G]GTTGCTACTGGAACAGGGACACTTCTGCTGATCCTGTCTGATGTGAATGACAACGCCCCC-3'
Protein context (NP_004351.1, residues 563-583): ALIIATDNGS[Pro573=]VATGTGTLLL

ClinVar aggregate classification (germline): Benign/Likely benign. Review status: criteria provided, multiple submitters, no conflicts (2 of 4 stars). 4 submissions from 4 submitters: Benign (1); Likely benign (3). Last evaluated 2025-07-21.

Conditions:
Hereditary cancer-predisposing syndrome. Also called: Neoplastic Syndromes, Hereditary; Hereditary Cancer Syndrome; Tumor predisposition; Hereditary neoplastic syndrome. Identifiers: Orphanet 140162, MedGen C0027672, MeSH D009386, MONDO:0015356.
Hereditary diffuse gastric adenocarcinoma (HDGC). Also called: DIFFUSE GASTRIC AND LOBULAR BREAST CANCER SYNDROME. Identifiers: Orphanet 26106, MedGen C1708349, MONDO:0007648, OMIM 137215.

Allele frequency attached by ClinVar (database versions not stated): gnomAD exomes below 0.00001.
gnomAD v4.1: 2 of 1,613,802 alleles (0.00012%); highest among the groups gnomAD compares: Non-Finnish European, 0.000085%; no homozygotes.

Submissions (4):

Labcorp Genetics (formerly Invitae), Labcorp
Classification: Likely benign for Hereditary diffuse gastric adenocarcinoma. Last evaluated: 2025-07-21. Review status: criteria provided, single submitter. Criteria: Invitae Variant Classification Sherloc (09022015). Collection method: clinical testing. Allele origin: germline.

Myriad Genetics, Inc.
Classification: Benign for Hereditary diffuse gastric adenocarcinoma. Last evaluated: 2024-09-19. Review status: criteria provided, single submitter. Criteria: Myriad Autosomal Dominant, Autosomal Recessive and X-Linked Classification Criteria (2023). Collection method: clinical testing. Allele origin: unknown.
Comment: This variant is considered benign. This variant is a silent/synonymous amino acid change and it is not expected to impact splicing.

Ambry Genetics
Classification: Likely benign for Hereditary cancer-predisposing syndrome. Last evaluated: 2023-10-10. Review status: criteria provided, single submitter. Criteria: Ambry Variant Classification Scheme 2023. Collection method: clinical testing. Allele origin: germline.

Color Diagnostics, LLC DBA Color Health
Classification: Likely benign for Hereditary cancer-predisposing syndrome. Last evaluated: 2019-08-13. Review status: criteria provided, single submitter. Criteria: ACMG Guidelines, 2015. Collection method: clinical testing. Allele origin: germline.